The following is an entry in ClinVar:

ClinVar aggregate classification (germline): Uncertain significance (1 of 4 stars; one submission).

Conditions:
Combined oxidative phosphorylation defect type 17. Also called: Combined oxidative phosphorylation deficiency 17. Identifiers: Orphanet 369913, MedGen C3809526, MONDO:0014190, OMIM 615440.

Allele frequency attached by ClinVar (database versions not stated): TOPMed below 0.00001.

Submission:

Labcorp Genetics (formerly Invitae), Labcorp
Classification: Uncertain significance for Combined oxidative phosphorylation defect type 17. Last evaluated: 2022-05-28. Review status: criteria provided, single submitter. Criteria: Invitae Variant Classification Sherloc (09022015). Collection method: clinical testing. Allele origin: germline.
Comment: This sequence change replaces isoleucine, which is neutral and non-polar, with threonine, which is neutral and polar, at codon 558 of the ELAC2 protein (p.Ile558Thr). This variant is not present in population databases (gnomAD no frequency). This variant has not been reported in the literature in individuals affected with ELAC2-related conditions. Algorithms developed to predict the effect of missense changes on protein structure and function are either unavailable or do not agree on the potential impact of this missense change (SIFT: "Deleterious"; PolyPhen-2: "Possibly Damaging"; Align-GVGD: "Class C0"). In summary, the available evidence is currently insufficient to determine the role of this variant in disease. Therefore, it has been classified as a Variant of Uncertain Significance.

NM_018127.7(ELAC2):c.1673T>C (p.Ile558Thr)

Gene: ELAC2 (elaC ribonuclease Z 2; minus strand). Cytogenetic location: 17p12.
Variant type: single nucleotide variant.
Coding change: c.1673T>C on transcript NM_018127.7 (MANE Select); coding-DNA position 1673, T replaced by C.
Protein change: p.Ile558Thr; replaces isoleucine 558 with threonine.
Molecular consequence: missense variant.
Genome position (GRCh38, 1-based): chr17:12,995,965, A>G on the plus strand (T>C on the coding strand, the complement: ELAC2 is on the minus strand). VCF-style: chr17-12995965-A-G. GRCh37 (hg19) VCF-style: chr17-12899282-A-G.
Other names: c.1553T>C, p.Ile518Thr (NM_001165962.2); c.1670T>C, p.Ile557Thr (NM_173717.2); short protein forms I558T, I557T, I518T.
Identifiers: ClinVar variation 1969133 (VCV001969133.5), dbSNP rs975428986, ClinGen allele CA288077417.
Genomic context (GRCh38, chr17:12,995,965, plus strand): 5'-TGAAACTCAGAACGCCCATCAAGTGCCACACTTACCAAGGCGCGTTCTCTCTGCAGCAAG[A>G]TACTTGGCAAGCCCTGGCAAGGAAACAGGAGACATGCGTCAGCCAGGCCCCAGGGCCATC-3'
Protein context (NP_060597.4, residues 548-568): HADHHTGLPS[Ile558Thr]LLQRERALAS